The following is an entry in ClinVar:

ClinVar aggregate classification (germline): Uncertain significance (1 of 4 stars; one submission).

Conditions:
Imerslund-Grasbeck syndrome. Also called: ENTEROCYTE COBALAMIN MALABSORPTION; ENTEROCYTE INTRINSIC FACTOR RECEPTOR, DEFECT OF; PERNICIOUS ANEMIA, JUVENILE, DUE TO SELECTIVE INTESTINAL MALABSORPTION OF VITAMIN B12, WITH PROTEINURIA; Megaloblastic anemia due to inborn errors of metabolism; Imerslund-Gräsbeck syndrome. Identifiers: Orphanet 35858, MedGen C4551825, MONDO:0009853.

Allele frequency attached by ClinVar (database versions not stated): gnomAD 0.00001; gnomAD exomes 0.00001; TOPMed 0.00001; ExAC 0.00002.
gnomAD v4.1: 9 of 1,613,880 alleles (0.00056%); highest among the groups gnomAD compares: Admixed American, 0.012%; no homozygotes.

Submission:

Labcorp Genetics (formerly Invitae), Labcorp
Classification: Uncertain significance for Imerslund-Grasbeck syndrome. Last evaluated: 2021-12-20. Review status: criteria provided, single submitter. Criteria: Invitae Variant Classification Sherloc (09022015). Collection method: clinical testing. Allele origin: germline.
Comment: This sequence change replaces arginine, which is basic and polar, with glutamine, which is neutral and polar, at codon 2317 of the CUBN protein (p.Arg2317Gln). This variant is present in population databases (rs553363833, gnomAD 0.02%). This variant has not been reported in the literature in individuals affected with CUBN-related conditions. Algorithms developed to predict the effect of missense changes on protein structure and function output the following: SIFT: "Tolerated"; PolyPhen-2: "Benign"; Align-GVGD: "Class C0". The glutamine amino acid residue is found in multiple mammalian species, which suggests that this missense change does not adversely affect protein function. In summary, the available evidence is currently insufficient to determine the role of this variant in disease. Therefore, it has been classified as a Variant of Uncertain Significance.

NM_001081.4(CUBN):c.6950G>A (p.Arg2317Gln)

Gene: CUBN (cubilin; minus strand). Cytogenetic location: 10p13.
Variant type: single nucleotide variant.
Coding change: c.6950G>A on transcript NM_001081.4 (MANE Select); coding-DNA position 6950, G replaced by A.
Protein change: p.Arg2317Gln; replaces arginine 2317 with glutamine.
Molecular consequence: missense variant.
Genome position (GRCh38, 1-based): chr10:16,918,672, C>T on the plus strand (G>A on the coding strand, the complement: CUBN is on the minus strand). VCF-style: chr10-16918672-C-T. GRCh37 (hg19) VCF-style: chr10-16960671-C-T.
Other names: short protein forms R2317Q.
Identifiers: ClinVar variation 2156754 (VCV002156754.4), dbSNP rs553363833, ClinGen allele CA5423514.